The following is an entry in ClinVar:

ClinVar aggregate classification (germline): Uncertain significance (1 of 4 stars; one submission).

Submission:

Labcorp Genetics (formerly Invitae), Labcorp
Classification: Uncertain significance. Last evaluated: 2021-11-11. Review status: criteria provided, single submitter. Criteria: Invitae Variant Classification Sherloc (09022015). Collection method: clinical testing. Allele origin: germline.
Comment: In summary, the available evidence is currently insufficient to determine the role of this variant in disease. Therefore, it has been classified as a Variant of Uncertain Significance. Algorithms developed to predict the effect of missense changes on protein structure and function (SIFT, PolyPhen-2, Align-GVGD) all suggest that this variant is likely to be disruptive. This variant has not been reported in the literature in individuals affected with ERCC6-related conditions. This variant is not present in population databases (gnomAD no frequency). This sequence change replaces lysine, which is basic and polar, with threonine, which is neutral and polar, at codon 1487 of the ERCC6 protein (p.Lys1487Thr).

NM_000124.4(ERCC6):c.4460A>C (p.Lys1487Thr)

Gene: ERCC6 (ERCC excision repair 6, chromatin remodeling factor; minus strand). Cytogenetic location: 10q11.23.
Variant type: single nucleotide variant.
Coding change: c.4460A>C on transcript NM_000124.4 (MANE Select); coding-DNA position 4460, A replaced by C.
Protein change: p.Lys1487Thr; replaces lysine 1487 with threonine.
Molecular consequence: missense variant.
Genome position (GRCh38, 1-based): chr10:49,458,837, T>G on the plus strand (A>C on the coding strand, the complement: ERCC6 is on the minus strand). VCF-style: chr10-49458837-T-G. GRCh37 (hg19) VCF-style: chr10-50666883-T-G.
Other names: c.4460A>C, p.Lys1487Thr (NM_001346440.2); short protein forms K1487T.
Identifiers: ClinVar variation 1392729 (VCV001392729.6), dbSNP rs2132523419, ClinGen allele CA376702869.